The following is an entry in ClinVar:

ClinVar aggregate classification (germline): Conflicting classifications of pathogenicity. Review status: criteria provided, conflicting classifications (1 of 4 stars). 4 submissions from 4 submitters: Uncertain significance (3); Likely benign (1). Last evaluated 2025-09-28.

Conditions:
Colorectal cancer. Also called: Colorectal cancer, somatic; Malignant Colorectal Neoplasm. Identifiers: MedGen C0346629, MONDO:0005575, OMIM 114500.
Hereditary cancer-predisposing syndrome. Also called: Hereditary Cancer Syndrome; Hereditary neoplastic syndrome; Neoplastic Syndromes, Hereditary; Tumor predisposition. Identifiers: Orphanet 140162, MedGen C0027672, MeSH D009386, MONDO:0015356.
Oligodontia-cancer predisposition syndrome. Also called: TOOTH AGENESIS-COLORECTAL CANCER SYNDROME. Identifiers: Orphanet 300576, MedGen C1837750, MONDO:0012075, OMIM 608615. Disease mechanism: loss of function.

Allele frequency attached by ClinVar (database versions not stated): gnomAD exomes below 0.00001 and 0.00003; gnomAD 0.00003; TOPMed 0.00004.
gnomAD v4.1: 43 of 1,613,912 alleles (0.0027%); highest among the groups gnomAD compares: Non-Finnish European, 0.0034%; no homozygotes.

Submissions (4):

Labcorp Genetics (formerly Invitae), Labcorp
Classification: Uncertain significance for Oligodontia-cancer predisposition syndrome. Last evaluated: 2025-09-28. Review status: criteria provided, single submitter. Criteria: Invitae Variant Classification Sherloc (09022015). Collection method: clinical testing. Allele origin: germline.
Comment: This sequence change replaces proline, which is neutral and non-polar, with leucine, which is neutral and non-polar, at codon 544 of the AXIN2 protein (p.Pro544Leu). This variant is present in population databases (no rsID available, gnomAD 0.002%). This variant has not been reported in the literature in individuals affected with AXIN2-related conditions. ClinVar contains an entry for this variant (Variation ID: 408799). Invitae Evidence Modeling of protein sequence and biophysical properties (such as structural, functional, and spatial information, amino acid conservation, physicochemical variation, residue mobility, and thermodynamic stability) indicates that this missense variant is not expected to disrupt AXIN2 protein function with a negative predictive value of 80%. In summary, the available evidence is currently insufficient to determine the role of this variant in disease. Therefore, it has been classified as a Variant of Uncertain Significance.

Baylor Genetics
Classification: Uncertain significance for Colorectal cancer. Last evaluated: 2024-03-03. Review status: criteria provided, single submitter. Criteria: ACMG Guidelines, 2015. Collection method: clinical testing. Allele origin: unknown.

Ambry Genetics
Classification: Likely benign for Hereditary cancer-predisposing syndrome. Last evaluated: 2024-01-03. Review status: criteria provided, single submitter. Criteria: Ambry Variant Classification Scheme 2023. Collection method: clinical testing. Allele origin: germline.

GeneDx
Classification: Uncertain significance. Last evaluated: 2021-05-26. Review status: criteria provided, single submitter. Criteria: GeneDx Variant Classification Process June 2021. Collection method: clinical testing. Allele origin: germline. Affected: yes.
Comment: Not observed at significant frequency in large population cohorts (Lek 2016); In silico analysis supports that this missense variant does not alter protein structure/function; Has not been previously published as pathogenic or benign to our knowledge

NM_004655.4(AXIN2):c.1631C>T (p.Pro544Leu)

Gene: AXIN2 (axin 2; minus strand). Cytogenetic location: 17q24.1.
Variant type: single nucleotide variant.
Coding change: c.1631C>T on transcript NM_004655.4 (MANE Select); coding-DNA position 1631, C replaced by T.
Protein change: p.Pro544Leu; replaces proline 544 with leucine.
Molecular consequence: missense variant.
Genome position (GRCh38, 1-based): chr17:65,537,405, G>A on the plus strand (C>T on the coding strand, the complement: AXIN2 is on the minus strand). VCF-style: chr17-65537405-G-A. GRCh37 (hg19) VCF-style: chr17-63533523-G-A.
Other names: c.1631C>T (LRG_296t1); c.1631C>T, p.Pro544Leu (NM_001363813.1); short protein forms P544L.
Identifiers: ClinVar variation 408799 (VCV000408799.16), dbSNP rs1060502139, ClinGen allele CA16615585.